The following is an entry in ClinVar:

NM_001349253.2(SCN11A):c.645C>T (p.Thr215=)

Gene: SCN11A (sodium voltage-gated channel alpha subunit 11; minus strand). Cytogenetic location: 3p22.2.
Variant type: single nucleotide variant.
Coding change: c.645C>T on transcript NM_001349253.2 (MANE Select); coding-DNA position 645, C replaced by T.
Protein change: p.Thr215=; no amino-acid change (threonine 215 retained).
Molecular consequence: synonymous variant.
Genome position (GRCh38, 1-based): chr3:38,925,482, G>A on the plus strand (C>T on the coding strand, the complement: SCN11A is on the minus strand). VCF-style: chr3-38925482-G-A. GRCh37 (hg19) VCF-style: chr3-38966973-G-A.
Other names: c.645C>T, p.Thr215= (NM_014139.3).
Identifiers: ClinVar variation 757805 (VCV000757805.10), dbSNP rs762344797, ClinGen allele CA2322554.

ClinVar aggregate classification (germline): Conflicting classifications of pathogenicity. Review status: criteria provided, conflicting classifications (1 of 4 stars). 2 submissions from 2 submitters: Uncertain significance (1); Likely benign (1). Last evaluated 2026-05-27.

Conditions:
SCN11A-related disorder. Also called: SCN11A-related condition.
Hereditary sensory and autonomic neuropathy type 7. Also called: HSAN VII; Neuropathy, hereditary sensory and autonomic, type VII. Identifiers: Orphanet 391397, MedGen C3809882, MONDO:0014244, OMIM 615548.
Familial episodic pain syndrome with predominantly lower limb involvement. Also called: Episodic pain syndrome, familial, 3. Identifiers: Orphanet 391384, Orphanet 391392, MedGen C3809899, MONDO:0014247, OMIM 615552.

Allele frequency attached by ClinVar (database versions not stated): ExAC 0.00001; TOPMed 0.00001; gnomAD 0.00002; gnomAD exomes 0.00002.
gnomAD v4.1: 30 of 1,613,214 alleles (0.0019%); highest among the groups gnomAD compares: Non-Finnish European, 0.0025%; no homozygotes.

Submissions (2):

PreventionGenetics, part of Exact Sciences
Classification: Uncertain significance for SCN11A-related condition. Last evaluated: 2026-05-27. Review status: criteria provided, single submitter. Criteria: ACMG Guidelines, 2015. Collection method: clinical testing. Allele origin: germline.
Comment: The SCN11A c.645C>T variant is not predicted to result in an amino acid change (p.=). This variant is predicted to possibly alter splicing based on available splicing prediction programs (SpliceAI, Jaganathan et al. 2019. PubMed ID: 30661751). However, the use of computer prediction programs is not equivalent to functional evidence. To our knowledge, this variant has not been reported in the literature. This variant is reported in 0.0047% of alleles in individuals of European (Non-Finnish) descent in gnomAD. Although we suspect that this variant may be benign, at this time, the clinical significance of this variant is uncertain due to the absence of conclusive functional and genetic evidence.

Labcorp Genetics (formerly Invitae), Labcorp
Classification: Likely benign for Familial episodic pain syndrome with predominantly lower limb involvement; Hereditary sensory and autonomic neuropathy type 7. Last evaluated: 2025-06-26. Review status: criteria provided, single submitter. Criteria: Invitae Variant Classification Sherloc (09022015). Collection method: clinical testing. Allele origin: germline.